The following is an entry in ClinVar:

ClinVar aggregate classification (germline): Uncertain significance (1 of 4 stars; one submission).

Submission:

GeneDx
Classification: Uncertain significance. Last evaluated: 2024-03-16. Review status: criteria provided, single submitter. Criteria: GeneDx Variant Classification Process June 2021. Collection method: clinical testing. Allele origin: germline. Affected: yes.
Comment: Not observed at significant frequency in large population cohorts (gnomAD); In silico analysis supports that this missense variant has a deleterious effect on protein structure/function; Has not been previously published as pathogenic or benign to our knowledge

NM_018055.5(NODAL):c.811T>C (p.Tyr271His)

Gene: NODAL (nodal growth differentiation factor; minus strand). Cytogenetic location: 10q22.1.
Variant type: single nucleotide variant.
Coding change: c.811T>C on transcript NM_018055.5 (MANE Select); coding-DNA position 811, T replaced by C.
Protein change: p.Tyr271His; replaces tyrosine 271 with histidine.
Molecular consequence: missense variant.
Genome position (GRCh38, 1-based): chr10:70,435,366, A>G on the plus strand (T>C on the coding strand, the complement: NODAL is on the minus strand). VCF-style: chr10-70435366-A-G. GRCh37 (hg19) VCF-style: chr10-72195122-A-G.
Other names: c.412T>C, p.Tyr138His (NM_001329906.2); short protein forms Y138H, Y271H.
Identifiers: ClinVar variation 3371047 (VCV003371047.1).